The following is an entry in ClinVar:

NM_000352.6(ABCC8):c.2693G>A (p.Trp898Ter)

Gene: ABCC8 (ATP binding cassette subfamily C member 8; minus strand). Cytogenetic location: 11p15.1.
Variant type: single nucleotide variant.
Coding change: c.2693G>A on transcript NM_000352.6 (MANE Select); coding-DNA position 2693, G replaced by A.
Protein change: p.Trp898Ter; replaces tryptophan 898 with a stop codon.
Molecular consequence: nonsense. On other transcripts: non-coding transcript variant (1).
Genome position (GRCh38, 1-based): chr11:17,410,517, C>T on the plus strand (G>A on the coding strand, the complement: ABCC8 is on the minus strand). VCF-style: chr11-17410517-C-T. GRCh37 (hg19) VCF-style: chr11-17432064-C-T.
Other names: NM_000352.6(ABCC8):c.2693G>A; p.Trp898Ter; c.2696G>A, p.Trp899Ter (NM_001287174.3); c.2759G>A, p.Trp920Ter (NM_001351295.2); c.2693G>A, p.Trp898Ter (NM_001351296.2); c.2690G>A, p.Trp897Ter (NM_001351297.2); c.2693G>A (NM_000352.4); short protein forms W898*, W899*, W920*, W897*.
Identifiers: ClinVar variation 633028 (VCV000633028.16), dbSNP rs1382448285, ClinGen allele CA379805891.
Genomic context (GRCh38, chr11:17,410,517, plus strand): 5'-ATGCCTGACAGCCTCCCCAGCCCTGCCCCCTATAGCCTGACCCCCTTGTTCCCCCTCACC[C>T]AGTCTGCATGGGGCAGGTACTGTAGCTTGTGGGTCACTAAGACCACTGTCCTCTTGTCGT-3'

ClinVar aggregate classification (germline): Pathogenic/Likely pathogenic. Review status: criteria provided, multiple submitters, no conflicts (2 of 4 stars). 9 submissions from 9 submitters: Pathogenic (5); Likely pathogenic (4). Last evaluated 2026-01-05.

Conditions:
Hereditary hyperinsulinism.
Type 2 diabetes mellitus. Also called: Type II diabetes mellitus. Identifiers: MedGen C0011860, MeSH D003924, MONDO:0005148, OMIM 125853, HP:0005978.
Hyperinsulinemic hypoglycemia, familial, 1 (HHF1). Also called: Persistent hyperinsulinemic hypoglycemia of infancy; HYPERINSULINISM, FAMILIAL, WITH PANCREATIC NESIDIOBLASTOSIS; HYPOGLYCEMIA, HYPERINSULINEMIC, OF INFANCY; NESIDIOBLASTOSIS OF PANCREAS; Persistent Hyperinsulinemia Hypoglycemia of Infancy. Identifiers: Orphanet 276575, Orphanet 276598, MedGen C2931832, MONDO:0009734, OMIM 256450.
Diabetes mellitus, transient neonatal, 2 (TNDM2). Identifiers: Orphanet 99886, MedGen C1835887, MONDO:0012480, OMIM 610374. Disease mechanism: loss of function.
Leucine-induced hypoglycemia (LIH). Also called: LEUCINE-SENSITIVE HYPOGLYCEMIA OF INFANCY. Identifiers: MedGen C0271714, MONDO:0009415, OMIM 240800.
Diabetes mellitus, permanent neonatal 3. Also called: ABCC8-Related Permanent Neonatal Diabetes Mellitus. Identifiers: MedGen C5394303, MONDO:0030088, OMIM 618857.
ABCC8-related disorder.
Familial hyperinsulinism. Also called: Congenital hyperinsulinism. Identifiers: Orphanet 276525, MedGen C3888018, MONDO:0017182. Disease mechanism: loss of function.

Allele frequency attached by ClinVar (database versions not stated): gnomAD exomes below 0.00001.
gnomAD v4.1: 3 of 1,614,192 alleles (0.00019%); highest among the groups gnomAD compares: Non-Finnish European, 0.00025%; no homozygotes.

Submissions (9):

Labcorp Genetics (formerly Invitae), Labcorp
Classification: Pathogenic. Last evaluated: 2026-01-05. Review status: criteria provided, single submitter. Criteria: Invitae Variant Classification Sherloc (09022015). Collection method: clinical testing. Allele origin: germline.
Comment: This sequence change creates a premature translational stop signal (p.Trp898*) in the ABCC8 gene. It is expected to result in an absent or disrupted protein product. Loss-of-function variants in ABCC8 are known to be pathogenic (PMID: 20685672, 23345197). This variant is present in population databases (no rsID available, gnomAD 0.0009%). This premature translational stop signal has been observed in individual(s) with autosomal recessive familial hyperinsulinism (PMID: 23275527, 25117148). This variant is also known as c.2696G>A, p.Trp899*. ClinVar contains an entry for this variant (Variation ID: 633028). For these reasons, this variant has been classified as Pathogenic.

Variantyx, Inc.
Classification: Likely pathogenic for Hyperinsulinemic hypoglycemia, familial, 1. Last evaluated: 2025-09-08. Review status: criteria provided, single submitter. Criteria: Variantyx Assertion Criteria 2022. Collection method: clinical testing. Allele origin: germline. Inheritance: Semidominant inheritance. Affected: no.
Comment: This is a nonsense variant in the ABCC8 gene (OMIM: 600509). Pathogenic variants in this gene have been associated with autosomal semidominant familial hyperinsulinemic hypoglycemia 1. This variant introduces a premature termination codon in exon 22 out of 39 and is expected to result in loss of function, which is a known disease mechanism for ABCC8 in this disorder (PMID: 20685672, 23345197) (PVS1). It has a 0.0003% maximum allele frequency in non-founder control populations (PM2). Based on the current evidence, this variant is classified as likely pathogenic for autosomal semidominant familial hyperinsulinemic hypoglycemia 1.Of note, congenital hyperinsulinism may also be caused by a paternally-inherited loss of function variant in combination with a second somatic variant, following Knudson's two-hit model (PMID: 16882742, 34336745).

Natera, Inc.
Classification: Likely pathogenic for Hereditary hyperinsulinism. Last evaluated: 2024-10-04. Review status: criteria provided, single submitter. Criteria: Natera Variant Classification Schema (03/2026). Collection method: clinical testing. Allele origin: germline.
Comment: The c.2693G>A variant in ABCC8 is a nonsense variant predicted to introduce a stop codon at amino acid 898. This variant is expected to result in nonsense mediated decay, truncation, or a dysfunctional protein product. This variant is rare in the general population with a frequency below the threshold expected for the associated phenotype(s). Given the available evidence, this variant is classified as Likely Pathogenic.

Fulgent Genetics
Classification: Pathogenic for Type 2 diabetes mellitus; Leucine-induced hypoglycemia; Hyperinsulinemic hypoglycemia, familial, 1; Diabetes mellitus, transient neonatal, 2; Diabetes mellitus, permanent neonatal 3. Last evaluated: 2024-03-07. Review status: criteria provided, single submitter. Criteria: ACMG Guidelines, 2015. Collection method: clinical testing. Allele origin: germline.

Baylor Genetics
Classification: Pathogenic for Type 2 diabetes mellitus. Last evaluated: 2023-12-01. Review status: criteria provided, single submitter. Criteria: ACMG Guidelines, 2015. Collection method: clinical testing. Allele origin: unknown.

Broad Center for Mendelian Genomics, Broad Institute of MIT and Harvard
Classification: Pathogenic for Hyperinsulinemic hypoglycemia, familial, 1. Last evaluated: 2023-08-16. Review status: criteria provided, single submitter. Criteria: ACMG Guidelines, 2015. Collection method: curation. Allele origin: germline. Inheritance: Autosomal recessive inheritance.
Comment: The p.Trp898Ter variant in ABCC8 has been reported in 2 individuals with hyperinsulinemic hypoglycemia (PMID: 25117148, 23275527), and has been identified in 0.0009% (1/113606) of European (non-Finnish) chromosomes by the Genome Aggregation Database (gnomAD; dbSNP ID: rs1382448285). Although this variant has been seen in the general population in a heterozygous state, its frequency is low enough to be consistent with a recessive carrier frequency. This variant has also been reported in ClinVar (Variation ID: 633028) and has been interpreted as likely pathogenic by Greenwood Genetic Center Diagnostic Laboratories (Greenwood Genetic Center), Women's Health and Genetics/Laboratory Corporation of America (LabCorp), and Natera (Inc.). Of the 2 affected individuals, one of those was a compound heterozygote that carried a reported pathogenic variant in trans, which increases the likelihood that the p.Trp898Ter variant is pathogenic (PMID: 23275527). This nonsense variant leads to a premature termination codon at position 898, which is predicted to lead to a truncated or absent protein. Loss of function of the ABCC8 gene is an established disease mechanism in autosomal recessive hyperinsulinemic hypoglycemia. In summary, this variant meets criteria to be classified as pathogenic for autosomal recessive hyperinsulinemic hypoglycemia. ACMG/AMP Criteria applied: PVS1, PM2_supporting, PM3 (Richards 2015).

Women's Health and Genetics/Laboratory Corporation of America, LabCorp
Classification: Likely pathogenic for Familial hyperinsulinism. Last evaluated: 2022-03-26. Review status: criteria provided, single submitter. Criteria: LabCorp Variant Classification Summary - May 2015. Collection method: clinical testing. Allele origin: germline.
Comment: Variant summary: ABCC8 c.2693G>A (p.Trp898X) results in a premature termination codon, predicted to cause a truncation of the encoded protein or absence of the protein due to nonsense mediated decay, which are commonly known mechanisms for disease. Truncations downstream of this position have been classified as pathogenic by our laboratory. The variant allele was found at a frequency of 4e-06 in 251324 control chromosomes. c.2693G>A has been reported in the literature in individuals affected with Focal and Congenital forms of Hyperinsulinism (example, Snider_2013, Jahnavi_2014). To our knowledge, no experimental evidence demonstrating an impact on protein function has been reported. Two clinical diagnostic laboratories have submitted clinical-significance assessments for this variant to ClinVar after 2014 without evidence for independent evaluation. All laboratories classified the variant as likely pathogenic. Based on the evidence outlined above, the variant was classified as likely pathogenic.

Greenwood Genetic Center Diagnostic Laboratories, Greenwood Genetic Center
Classification: Likely pathogenic. Last evaluated: 2020-08-31. Review status: criteria provided, single submitter. Criteria: ACMG Guidelines, 2015. Collection method: clinical testing. Allele origin: germline. Affected: yes.

Rady Children's Institute for Genomic Medicine, Rady Children's Hospital San Diego
Classification: Pathogenic for ABCC8-related disorders. Review status: criteria provided, single submitter. Criteria: ACMG Guidelines, 2015. Collection method: clinical testing. Allele origin: germline. Affected: yes.
Comment: This nonsense variant found in exon 23 of 39 is predicted to result in loss of normal protein function through either protein truncation or nonsense-mediated mRNA decay (NMD). This variant has been previously reported as a compound heterozygous change in a patient with severe congenital hyperinsulinemic hypoglycemia (PMID: 25117148). The c.2693G>A (p.Trp898Ter) variant is present in the heterozygous state in the gnomAD population database at a frequency of 0.0004% (1/251324) and is absent in the homozygous state, thus is presumed to be rare. Based on the available evidence, the c.2693G>A (p.Trp898Ter) variant is classified as Pathogenic.

Literature cited by the submitters: PubMed 20685672 (cited by Labcorp Genetics (formerly Invitae), Labcorp and Variantyx, Inc.); PubMed 23345197 (cited by Labcorp Genetics (formerly Invitae), Labcorp and Variantyx, Inc.); PubMed 23275527 (cited by Labcorp Genetics (formerly Invitae), Labcorp and Women's Health and Genetics/Laboratory Corporation of America, LabCorp); PubMed 25117148 (cited by Labcorp Genetics (formerly Invitae), Labcorp and Women's Health and Genetics/Laboratory Corporation of America, LabCorp).